The following is an entry in ClinVar:

ClinVar aggregate classification (germline): Benign. Review status: criteria provided, multiple submitters, no conflicts (2 of 4 stars). 14 submissions from 14 submitters: Benign (12). 2 of the submissions do not count toward it. Last evaluated 2026-07-10.

Conditions:
Coffin-Siris syndrome. Identifiers: Orphanet 1465, MedGen C0265338, MONDO:0015452.
Hereditary cancer-predisposing syndrome. Also called: Neoplastic Syndromes, Hereditary; Tumor predisposition; Hereditary neoplastic syndrome; Hereditary Cancer Syndrome. Identifiers: Orphanet 140162, MedGen C0027672, MeSH D009386, MONDO:0015356.
Intellectual disability, autosomal dominant 16 (CSS4). Also called: COFFIN-SIRIS SYNDROME 4. Identifiers: Orphanet 1465, MedGen C3553249, MONDO:0013821, OMIM 614609.
Rhabdoid tumor predisposition syndrome 2 (RTPS2). Identifiers: Orphanet 231108, Orphanet 69077, MedGen C2750074, MONDO:0013224, OMIM 613325.

Allele frequency attached by ClinVar (database versions not stated): 1000 Genomes Project 30x 0.30621; gnomAD exomes 0.32755 and 0.35251; ESP Exome Variant Server 0.32831; 1000 Genomes Project 0.31150; TOPMed 0.31174; gnomAD 0.32485 and 0.32239; ExAC 0.33535.
gnomAD v4.1: 564,005 of 1,613,226 alleles (35%); highest among the groups gnomAD compares: South Asian, 43%; 100,586 homozygotes.

Submissions (14):

Myriad Genetics, Inc.
Classification: Benign for Rhabdoid tumor predisposition syndrome 2. Last evaluated: 2026-07-10. Review status: criteria provided, single submitter. Criteria: Myriad Autosomal Dominant, Autosomal Recessive and X-Linked Classification Criteria (2023). Collection method: clinical testing. Allele origin: unknown.
Comment: This variant is considered benign. This variant is a silent/synonymous amino acid change and it is not expected to impact splicing.

Labcorp Genetics (formerly Invitae), Labcorp
Classification: Benign for Rhabdoid tumor predisposition syndrome 2. Last evaluated: 2026-02-04. Review status: criteria provided, single submitter. Criteria: Invitae Variant Classification Sherloc (09022015). Collection method: clinical testing. Allele origin: germline.

GeneKor MSA
Classification: Benign for Hereditary cancer-predisposing syndrome. Last evaluated: 2025-07-10. Review status: criteria provided, single submitter. Criteria: ACMG Guidelines, 2015. Collection method: clinical testing. Allele origin: germline.

Blueprint Genetics
Classification: Benign. Last evaluated: 2024-11-28. Review status: criteria provided, single submitter. Criteria: ACMG Guidelines, 2015. Collection method: clinical testing. Allele origin: germline.

Mayo Clinic Laboratories, Mayo Clinic
Classification: Benign. Last evaluated: 2022-03-10. Review status: criteria provided, single submitter. Criteria: ACMG Guidelines, 2015. Collection method: clinical testing. Allele origin: germline. Observed: 182 variant alleles.

Genome-Nilou Lab
Classification: Benign for Intellectual disability, autosomal dominant 16. Last evaluated: 2021-07-15. Review status: criteria provided, single submitter. Criteria: ACMG Guidelines, 2015. Collection method: clinical testing. Allele origin: germline. Affected: no.

Illumina Laboratory Services, Illumina
Classification: Benign for Coffin-Siris syndrome. Last evaluated: 2018-01-13. Review status: criteria provided, single submitter. Criteria: ICSL Variant Classification Criteria 13 December 2019. Collection method: clinical testing. Allele origin: germline.
Comment: This variant was observed in the ICSL laboratory as part of a predisposition screen in an ostensibly healthy population. It had not been previously curated by ICSL or reported in the Human Gene Mutation Database (HGMD: prior to June 1st, 2018), and was therefore a candidate for classification through an automated scoring system. Utilizing variant allele frequency, disease prevalence and penetrance estimates, and inheritance mode, an automated score was calculated to assess if this variant is too frequent to cause the disease. Based on the score and internal cut-off values, a variant classified as benign is not then subjected to further curation. The score for this variant resulted in a classification of benign for this disease.

GeneDx
Classification: Benign. Last evaluated: 2015-11-30. Review status: criteria provided, single submitter. Criteria: GeneDx Variant Classification (06012015). Collection method: clinical testing. Allele origin: germline. Affected: yes.
Comment: This variant is considered likely benign or benign based on one or more of the following criteria: it is a conservative change, it occurs at a poorly conserved position in the protein, it is predicted to be benign by multiple in silico algorithms, and/or has population frequency not consistent with disease.

Ambry Genetics
Classification: Benign for Hereditary cancer-predisposing syndrome. Last evaluated: 2015-05-19. Review status: criteria provided, single submitter. Criteria: Ambry Variant Classification Scheme 2023. Collection method: clinical testing. Allele origin: germline.

Genetic Services Laboratory, University of Chicago
Classification: Benign for AllHighlyPenetrant. Last evaluated: 2013-08-15. Review status: criteria provided, single submitter. Criteria: ACMG Guidelines, 2007. Collection method: clinical testing. Allele origin: germline. Inheritance: Autosomal dominant inheritance. Observed: 64 variant alleles.

Breakthrough Genomics
Classification: Benign. Review status: criteria provided, single submitter. Criteria: ACMG Guidelines, 2015. Collection method: not provided. Allele origin: germline. Inheritance: Autosomal dominant inheritance. Affected: yes.

PreventionGenetics, part of Exact Sciences
Classification: Benign. Review status: criteria provided, single submitter. Criteria: ACMG Guidelines, 2015. Collection method: clinical testing. Allele origin: germline.

Diagnostic Laboratory, Department of Genetics, University Medical Center Groningen
Classification: Benign. Review status: no assertion criteria provided. Collection method: clinical testing. Allele origin: germline. Affected: yes. Study: VKGL Data-share Consensus. Not counted in ClinVar's aggregate classification.

Joint Genome Diagnostic Labs from Nijmegen and Maastricht, Radboudumc and MUMC+
Classification: Benign. Review status: no assertion criteria provided. Collection method: clinical testing. Allele origin: germline. Affected: yes. Study: VKGL Data-share Consensus. Not counted in ClinVar's aggregate classification.

NM_003072.5(SMARCA4):c.1524T>C (p.His508=)

Gene: SMARCA4 (SWI/SNF related BAF chromatin remodeling complex subunit ATPase 4; plus strand). Cytogenetic location: 19p13.2.
Variant type: single nucleotide variant.
Coding change: c.1524T>C on transcript NM_003072.5 (MANE Select); coding-DNA position 1524, T replaced by C.
Protein change: p.His508=; no amino-acid change (histidine 508 retained).
Molecular consequence: synonymous variant. On other transcripts: non-coding transcript variant (1).
Genome position (GRCh38, 1-based): chr19:10,994,932, T>C. VCF-style: chr19-10994932-T-C. GRCh37 (hg19) VCF-style: chr19-11105608-T-C.
Other names: p.His508=; c.1524T>C, p.His508= (NM_001128844.3, NM_001128845.2, NM_001128846.2 and 5 more transcripts); c.1524T>C (NM_001128849.2).
Identifiers: ClinVar variation 126359 (VCV000126359.33), dbSNP rs7935, ClinGen allele CA151110.